The following is an entry in ClinVar:

NM_001854.4(COL11A1):c.3692G>T (p.Gly1231Val)

Gene: COL11A1 (collagen type XI alpha 1 chain; minus strand). Cytogenetic location: 1p21.1.
Variant type: single nucleotide variant.
Coding change: c.3692G>T on transcript NM_001854.4 (MANE Select); coding-DNA position 3692, G replaced by T.
Protein change: p.Gly1231Val; replaces glycine 1231 with valine.
Molecular consequence: missense variant. On other transcripts: non-coding transcript variant (1).
Genome position (GRCh38, 1-based): chr1:102,921,534, C>A on the plus strand (G>T on the coding strand, the complement: COL11A1 is on the minus strand). VCF-style: chr1-102921534-C-A. GRCh37 (hg19) VCF-style: chr1-103387090-C-A.
Other names: c.3575G>T, p.Gly1192Val (NM_001190709.2); c.3728G>T, p.Gly1243Val (NM_080629.3); c.3344G>T, p.Gly1115Val (NM_080630.4); short protein forms G1243V, G1115V, G1192V, G1231V.
Identifiers: ClinVar variation 1038628 (VCV001038628.13), dbSNP rs750291363, ClinGen allele CA27682412.
Genomic context (GRCh38, chr1:102,921,534, plus strand): 5'-CTATATAACTTCAAAATAATTAACATATATTTCAGAGTTCTTACATCAGCTCCATTGGGA[C>A]CTTGAGGGCCTCTTGGGCCTGGAGGACCAGGTGGCCCCTGTAAGAGAGAAATATTGAGGT-3'
Protein context (NP_001845.3, residues 1221-1241): PGPPGPRGPQ[Gly1231Val]PNGADGPQGP

ClinVar aggregate classification (germline): Conflicting classifications of pathogenicity. Review status: criteria provided, conflicting classifications (1 of 4 stars). 4 submissions from 4 submitters: Likely pathogenic (1); Uncertain significance (3). Last evaluated 2025-12-23.

Conditions:
Inborn genetic diseases. Identifiers: MedGen C0950123, MeSH D030342.
Hearing loss, autosomal dominant 37. Also called: DEAFNESS, AUTOSOMAL DOMINANT 37. Identifiers: MedGen C4760307, MONDO:0032802, OMIM 618533.
Fibrochondrogenesis 1 (FBCG1). Identifiers: Orphanet 2021, MedGen C3278138, MONDO:0009226, OMIM 228520.
Intervertebral disc disorder (IDD). Also called: Lumbar disk degenerative disorder; INTERVERTEBRAL DISC DISEASE. Identifiers: MedGen C0158252, MONDO:0044339, OMIM 603932.
Marshall syndrome (MRSHS). Identifiers: Orphanet 560, MedGen C0265235, MONDO:0007949, OMIM 154780.
Stickler syndrome type 2 (STL2). Also called: COL11A1-Related Stickler Syndrome; STICKLER SYNDROME, BEADED VITREOUS TYPE; STICKLER SYNDROME, VITREOUS TYPE 2; STICKLER SYNDROME, TYPE II. Identifiers: Orphanet 828, Orphanet 90654, MedGen C1858084, MONDO:0011493, OMIM 604841.

Allele frequency attached by ClinVar (database versions not stated): gnomAD exomes below 0.00001; TOPMed 0.00001.
gnomAD v4.1: 1 of 1,613,356 alleles (0.000062%); highest among the groups gnomAD compares: Non-Finnish European, 0.000085%; no homozygotes.

Submissions (4):

Labcorp Genetics (formerly Invitae), Labcorp
Classification: Uncertain significance. Last evaluated: 2025-12-23. Review status: criteria provided, single submitter. Criteria: Invitae Variant Classification Sherloc (09022015). Collection method: clinical testing. Allele origin: germline.
Comment: This sequence change replaces glycine, which is neutral and non-polar, with valine, which is neutral and non-polar, at codon 1231 of the COL11A1 protein (p.Gly1231Val). This variant is not present in population databases (gnomAD no frequency). This missense change has been observed in individual(s) with chronic kidney disease (PMID: 35325889). ClinVar contains an entry for this variant (Variation ID: 1038628). Invitae Evidence Modeling of protein sequence and biophysical properties (such as structural, functional, and spatial information, amino acid conservation, physicochemical variation, residue mobility, and thermodynamic stability) indicates that this missense variant is expected to disrupt COL11A1 protein function with a positive predictive value of 80%. In summary, the available evidence is currently insufficient to determine the role of this variant in disease. Therefore, it has been classified as a Variant of Uncertain Significance.

Ambry Genetics
Classification: Uncertain significance for Inborn genetic diseases. Last evaluated: 2024-10-19. Review status: criteria provided, single submitter. Criteria: Ambry Variant Classification Scheme 2023. Collection method: clinical testing. Allele origin: germline.

GeneDx
Classification: Uncertain significance. Last evaluated: 2023-04-03. Review status: criteria provided, single submitter. Criteria: GeneDx Variant Classification Process June 2021. Collection method: clinical testing. Allele origin: germline. Affected: yes.
Comment: Not observed at significant frequency in large population cohorts (gnomAD); In silico analysis supports that this missense variant has a deleterious effect on protein structure/function; Has not been previously published as pathogenic or benign to our knowledge; This variant is associated with the following publications: (PMID: 25240749)

Fulgent Genetics
Classification: Likely pathogenic for Marshall syndrome; Fibrochondrogenesis 1; Intervertebral disc disorder; Stickler syndrome type 2; Hearing loss, autosomal dominant 37. Last evaluated: 2021-06-30. Review status: criteria provided, single submitter. Criteria: ACMG Guidelines, 2015. Collection method: clinical testing. Allele origin: unknown.
Comment: This variant has been detected in individual(s) who were sent for testing of Renasight - kidney gene panel.

Literature cited by the submitters: PubMed 35325889 (cited by Labcorp Genetics (formerly Invitae), Labcorp).